The following is an entry in ClinVar:

NM_021942.6(TRAPPC11):c.3215C>T (p.Thr1072Met)

Gene: TRAPPC11 (trafficking protein particle complex subunit 11; plus strand). Cytogenetic location: 4q35.1.
Variant type: single nucleotide variant.
Coding change: c.3215C>T on transcript NM_021942.6 (MANE Select); coding-DNA position 3215, C replaced by T.
Protein change: p.Thr1072Met; replaces threonine 1072 with methionine.
Molecular consequence: missense variant. On other transcripts: intron variant (1).
Genome position (GRCh38, 1-based): chr4:183,708,432, C>T. VCF-style: chr4-183708432-C-T. GRCh37 (hg19) VCF-style: chr4-184629585-C-T.
Other names: c.3199+16C>T (NM_199053.3); short protein forms T1072M.
Identifiers: ClinVar variation 474364 (VCV000474364.8), dbSNP rs147061560, ClinGen allele CA3152480.

ClinVar aggregate classification (germline): Uncertain significance. Review status: criteria provided, multiple submitters, no conflicts (2 of 4 stars). 2 submissions from 2 submitters: Uncertain significance (2). Last evaluated 2022-10-13.

Conditions:
Autosomal recessive limb-girdle muscular dystrophy type R18 (LGMDR18). Also called: Limb-girdle muscular dystrophy, type 2S; MUSCULAR DYSTROPHY, LIMB-GIRDLE, AUTOSOMAL RECESSIVE 18; Autosomal recessive limb-girdle muscular dystrophy type 2S. Identifiers: Orphanet 369840, MedGen C4517996, MONDO:0014144, OMIM 615356.

Allele frequency attached by ClinVar (database versions not stated): gnomAD 0.00003; TOPMed 0.00006; ESP Exome Variant Server 0.00015.
gnomAD v4.1: 50 of 1,613,572 alleles (0.0031%); highest among the groups gnomAD compares: Admixed American, 0.028%; no homozygotes.

Submissions (2):

Labcorp Genetics (formerly Invitae), Labcorp
Classification: Uncertain significance for Autosomal recessive limb-girdle muscular dystrophy type R18. Last evaluated: 2022-10-13. Review status: criteria provided, single submitter. Criteria: Invitae Variant Classification Sherloc (09022015). Collection method: clinical testing. Allele origin: germline.
Comment: Advanced modeling of protein sequence and biophysical properties (such as structural, functional, and spatial information, amino acid conservation, physicochemical variation, residue mobility, and thermodynamic stability) performed at Invitae indicates that this missense variant is not expected to disrupt TRAPPC11 protein function. In summary, the available evidence is currently insufficient to determine the role of this variant in disease. Therefore, it has been classified as a Variant of Uncertain Significance. ClinVar contains an entry for this variant (Variation ID: 474364). This variant has not been reported in the literature in individuals affected with TRAPPC11-related conditions. This variant is present in population databases (rs147061560, gnomAD 0.05%). This sequence change replaces threonine, which is neutral and polar, with methionine, which is neutral and non-polar, at codon 1072 of the TRAPPC11 protein (p.Thr1072Met).

GeneDx
Classification: Uncertain significance. Last evaluated: 2019-07-22. Review status: criteria provided, single submitter. Criteria: GeneDx Variant Classification Process June 2021. Collection method: clinical testing. Allele origin: germline. Affected: yes.
Comment: Has not been previously published as pathogenic or benign to our knowledge; In silico analysis, which includes protein predictors and evolutionary conservation, supports that this variant does not alter protein structure/function